The following is an entry in ClinVar:

ClinVar aggregate classification (germline): Uncertain significance. Review status: criteria provided, multiple submitters, no conflicts (2 of 4 stars). 2 submissions from 2 submitters: Uncertain significance (2). Last evaluated 2025-02-06.

Conditions:
Neurofibromatosis, type 1 (NF1). Also called: VON RECKLINGHAUSEN DISEASE; NEUROFIBROMATOSIS, TYPE I, SOMATIC; Peripheral type neurofibromatosis; Neurofibromatosis, type I. Identifiers: Orphanet 636, MedGen C0027831, MONDO:0018975, OMIM 162200. Disease mechanism: loss of function.
Cardiovascular phenotype. Identifiers: MedGen CN230736.
Hereditary cancer-predisposing syndrome. Also called: Hereditary Cancer Syndrome; Hereditary neoplastic syndrome; Tumor predisposition; Neoplastic Syndromes, Hereditary. Identifiers: Orphanet 140162, MedGen C0027672, MeSH D009386, MONDO:0015356.

Allele frequency attached by ClinVar (database versions not stated): gnomAD exomes below 0.00001.
gnomAD v4.1: 1 of 1,611,180 alleles (0.000062%); highest among the groups gnomAD compares: Non-Finnish European, 0.000085%; no homozygotes.

Submissions (2):

Ambry Genetics
Classification: Uncertain significance for Cardiovascular phenotype; Hereditary cancer-predisposing syndrome. Last evaluated: 2025-02-06. Review status: criteria provided, single submitter. Criteria: Ambry Variant Classification Scheme 2023. Collection method: clinical testing. Allele origin: germline.
Comment: The p.K233E variant (also known as c.697A>G), located in coding exon 7 of the NF1 gene, results from an A to G substitution at nucleotide position 697. The lysine at codon 233 is replaced by glutamic acid, an amino acid with similar properties. This amino acid position is conserved. In addition, the in silico prediction for this alteration is inconclusive. Based on the available evidence, the clinical significance of this variant remains unclear.

Labcorp Genetics (formerly Invitae), Labcorp
Classification: Uncertain significance for Neurofibromatosis, type 1. Last evaluated: 2024-12-18. Review status: criteria provided, single submitter. Criteria: Invitae Variant Classification Sherloc (09022015). Collection method: clinical testing. Allele origin: germline.
Comment: This sequence change replaces lysine, which is basic and polar, with glutamic acid, which is acidic and polar, at codon 233 of the NF1 protein (p.Lys233Glu). This variant is not present in population databases (gnomAD no frequency). This variant has not been reported in the literature in individuals affected with NF1-related conditions. ClinVar contains an entry for this variant (Variation ID: 457816). Invitae Evidence Modeling of protein sequence and biophysical properties (such as structural, functional, and spatial information, amino acid conservation, physicochemical variation, residue mobility, and thermodynamic stability) indicates that this missense variant is not expected to disrupt NF1 protein function with a negative predictive value of 95%. In summary, the available evidence is currently insufficient to determine the role of this variant in disease. Therefore, it has been classified as a Variant of Uncertain Significance.

NM_001042492.3(NF1):c.697A>G (p.Lys233Glu)

Gene: NF1 (neurofibromin 1; plus strand). Cytogenetic location: 17q11.2.
Variant type: single nucleotide variant.
Coding change: c.697A>G on transcript NM_001042492.3 (MANE Select); coding-DNA position 697, A replaced by G.
Protein change: p.Lys233Glu; replaces lysine 233 with glutamic acid.
Molecular consequence: missense variant.
Genome position (GRCh38, 1-based): chr17:31,181,752, A>G. VCF-style: chr17-31181752-A-G. GRCh37 (hg19) VCF-style: chr17-29508770-A-G.
Other names: c.697A>G, p.Lys233Glu (NM_000267.4, NM_001128147.3); short protein forms K233E.
Identifiers: ClinVar variation 457816 (VCV000457816.6), dbSNP rs922257267, ClinGen allele CA398990006.